The following is an entry in ClinVar:

NM_004415.4(DSP):c.6288dup (p.Asp2097Ter)

Gene: DSP (desmoplakin; plus strand). Cytogenetic location: 6p24.3.
Variant type: Duplication.
Coding change: c.6288dup on transcript NM_004415.4 (MANE Select); coding-DNA position 6288, one base duplicated (T; older notation c.6288dupT).
Protein change: p.Asp2097Ter; replaces aspartic acid 2097 with a stop codon.
Molecular consequence: nonsense.
Genome position (GRCh38, 1-based): chr6:7,583,550, T duplicated; the last of 4 consecutive T bases (chr6:7,583,547-7,583,550); duplicating any one gives the same sequence. VCF-style (leftmost placement, unchanged base first): chr6-7583546-G-GT. GRCh37 (hg19) VCF-style: chr6-7583779-G-GT.
Other names: c.4491dup, p.Asp1498Ter (NM_001008844.3); c.4959dup, p.Asp1654Ter (NM_001319034.2); short protein forms D1498*, D1654*, D2097*.
Identifiers: ClinVar variation 1380792 (VCV001380792.6), dbSNP rs2113699911, ClinGen allele CA2573140817.

ClinVar aggregate classification (germline): Pathogenic (1 of 4 stars; one submission).

Conditions:
Arrhythmogenic cardiomyopathy with wooly hair and keratoderma. Also called: Dilated cardiomyopathy with woolly hair and keratoderma; Arrhythmogenic cardiomyopathy with woolly hair and keratoderma; PALMOPLANTAR KERATODERMA WITH LEFT VENTRICULAR CARDIOMYOPATHY AND WOOLLY HAIR; Carvajal syndrome. Identifiers: Orphanet 65282, MedGen C1854063, MONDO:0011581, OMIM 605676.
Arrhythmogenic right ventricular dysplasia 8 (ARVD8). Also called: ARRHYTHMOGENIC RIGHT VENTRICULAR DYSPLASIA, FAMILIAL, 8; Arrhythmogenic Right Ventricular Dysplasia/Cardiomyopathy 8; ARRHYTHMOGENIC RIGHT VENTRICULAR CARDIOMYOPATHY 8. Identifiers: MedGen C1843896, MONDO:0011831, OMIM 607450.

Submission:

Labcorp Genetics (formerly Invitae), Labcorp
Classification: Pathogenic for Arrhythmogenic cardiomyopathy with wooly hair and keratoderma; Arrhythmogenic right ventricular dysplasia 8. Last evaluated: 2022-09-06. Review status: criteria provided, single submitter. Criteria: Invitae Variant Classification Sherloc (09022015). Collection method: clinical testing. Allele origin: germline.
Comment: This sequence change creates a premature translational stop signal (p.Asp2097*) in the DSP gene. While this is not anticipated to result in nonsense mediated decay, it is expected to disrupt the last 775 amino acid(s) of the DSP protein. For these reasons, this variant has been classified as Pathogenic. This variant disrupts a region of the DSP protein in which other variant(s) (p.Glu2728Glyfs*11) have been determined to be pathogenic (Invitae). This suggests that this is a clinically significant region of the protein, and that variants that disrupt it are likely to be disease-causing. ClinVar contains an entry for this variant (Variation ID: 1380792). This variant has not been reported in the literature in individuals affected with DSP-related conditions. This variant is not present in population databases (gnomAD no frequency).